The following is an entry in ClinVar:

NM_001042702.5(PJVK):c.199_200del (p.Glu67fs)

Gene: PJVK (pejvakin; plus strand). Cytogenetic location: 2q31.2.
Variant type: Microsatellite.
Coding change: c.199_200del on transcript NM_001042702.5 (MANE Select); coding-DNA positions 199 to 200, 2 bases deleted (GA; older notation c.199_200delGA).
Protein change: p.Glu67fs; shifts the reading frame from glutamic acid 67.
Molecular consequence: frameshift variant. On other transcripts: 5 prime UTR variant (2).
Genome position (GRCh38, 1-based): chr2:178,453,608-178,453,609, GA deleted; deleting any 2 consecutive bases within chr2:178,453,605-178,453,609 gives the same sequence; the c. name uses the placement nearest the transcript's 3' end. VCF-style (leftmost placement, unchanged base first): chr2-178453604-CAG-C. GRCh37 (hg19) VCF-style: chr2-179318331-CAG-C.
Other names: c.208_209del, p.Glu70fs (NM_001353775.2); c.304_305del, p.Glu102fs (NM_001353776.2); c.-281GA[1] (NM_001353777.1, NM_001353778.2); c.199_200del, p.Glu67fs (NM_001369912.1); short protein forms E102fs, E67fs, E70fs.
Identifiers: ClinVar variation 3601636 (VCV003601636.1).
Genomic context (GRCh38, chr2:178,453,604, plus strand): 5'-GTTTCCTAGATATAAATTTACTTCAACACCTTTTACACTGAAAGATATTCTCCTAGGAGA[CAG>C]AGAAATTTCAGCTGGTAAGTTTAAATGTTTGGGAGTGCCAACTCATTCATCTGTATTATT-3'

ClinVar aggregate classification (germline): Pathogenic (1 of 4 stars; one submission).

Conditions:
Autosomal recessive nonsyndromic hearing loss 59. Identifiers: Orphanet 90636, MedGen C1857744, MONDO:0012445, OMIM 610220.

Submission:

Institute of Rare Diseases, West China Hospital, Sichuan University
Classification: Pathogenic for Autosomal recessive nonsyndromic hearing loss 59. Last evaluated: 2025-01-09. Review status: criteria provided, single submitter. Criteria: ClinGen HL ACMG Specifications v1. Collection method: research. Allele origin: germline. Affected: yes.
Comment: PVS1;PM3_Supporting;PM2_Supporting